The following is an entry in ClinVar:

ClinVar aggregate classification (germline): Uncertain significance. Review status: criteria provided, multiple submitters, no conflicts (2 of 4 stars). 3 submissions from 3 submitters: Uncertain significance (3). Last evaluated 2026-04-01.

Conditions:
Polycystic kidney disease, adult type (PKD1). Also called: Polycystic Kidney, Autosomal Dominant; POLYCYSTIC KIDNEY DISEASE, ADULT, TYPE I; Polycystic Kidney Disease 1, Autosomal Dominant; Polycystic kidney disease 1; Polycystic kidney disease 1, severe; POLYCYSTIC KIDNEY DISEASE 1 WITH OR WITHOUT POLYCYSTIC LIVER DISEASE. Identifiers: MedGen C3149841, MONDO:0008263, OMIM 173900.
PKD1-related disorder. Also called: PKD1-related condition.

Allele frequency attached by ClinVar (database versions not stated): 1000 Genomes Project 0.00020; 1000 Genomes Project 30x 0.00016.
gnomAD v4.1: 95 of 1,601,478 alleles (0.0059%); highest among the groups gnomAD compares: South Asian, 0.041%; no homozygotes.

Submissions (3):

GeneDx
Classification: Uncertain significance. Last evaluated: 2026-04-01. Review status: criteria provided, single submitter. Criteria: GeneDx Variant Classification Process June 2021. Collection method: clinical testing. Allele origin: germline.
Comment: In silico analysis suggests that this missense variant does not alter protein structure/function; Has not been previously published in association with polycystic kidney disease to our knowledge; This variant is associated with the following publications: (PMID: 35620448)

Department of Pathology and Laboratory Medicine, Sinai Health System
Classification: Uncertain significance for Polycystic kidney disease, adult type. Last evaluated: 2023-09-25. Review status: criteria provided, single submitter. Criteria: ACMG Guidelines, 2015. Collection method: clinical testing. Allele origin: germline. Affected: yes.

PreventionGenetics, part of Exact Sciences
Classification: Uncertain significance for PKD1-related condition. Last evaluated: 2023-07-24. Review status: criteria provided, single submitter. Criteria: ACMG Guidelines, 2015. Collection method: clinical testing. Allele origin: germline.
Comment: The PKD1 c.8680G>A variant is predicted to result in the amino acid substitution p.Ala2894Thr. To our knowledge, this variant has not been reported in the literature. This variant is reported in 0.033% of alleles in individuals of South Asian descent in gnomAD. At this time, the clinical significance of this variant is uncertain due to the absence of conclusive functional and genetic evidence.

Literature cited by the submitters: PubMed 35620448 (cited by Department of Pathology and Laboratory Medicine, Sinai Health System).

NM_001009944.3(PKD1):c.8680G>A (p.Ala2894Thr)

Gene: PKD1 (polycystin 1, transient receptor potential channel interacting; minus strand). Cytogenetic location: 16p13.3.
Variant type: single nucleotide variant.
Coding change: c.8680G>A on transcript NM_001009944.3 (MANE Select); coding-DNA position 8680, G replaced by A.
Protein change: p.Ala2894Thr; replaces alanine 2894 with threonine.
Molecular consequence: missense variant.
Genome position (GRCh38, 1-based): chr16:2,103,377, C>T on the plus strand (G>A on the coding strand, the complement: PKD1 is on the minus strand). VCF-style: chr16-2103377-C-T. GRCh37 (hg19) VCF-style: chr16-2153378-C-T.
Other names: c.8680G>A, p.Ala2894Thr (NM_000296.4); short protein forms A2894T.
Identifiers: ClinVar variation 2635005 (VCV002635005.3), dbSNP rs568897373, ClinGen allele CA7830423.